The following is an entry in ClinVar:

ClinVar aggregate classification (germline): Likely benign. Review status: criteria provided, multiple submitters, no conflicts (2 of 4 stars). 2 submissions from 2 submitters: Likely benign (2). Last evaluated 2023-12-20.

Conditions:
Methylmalonic acidemia with homocystinuria, type cblX (MAHCX). Also called: INTELLECTUAL DEVELOPMENTAL DISORDER, X-LINKED 3. Identifiers: Orphanet 369962, MedGen C0796208, MONDO:0010657, OMIM 309541.

Allele frequency attached by ClinVar (database versions not stated): gnomAD exomes 0.00001; ExAC 0.00002; gnomAD 0.00008 and 0.00010; TOPMed 0.00008; ESP Exome Variant Server 0.00010.
gnomAD v4.1: 17 of 1,207,030 alleles (0.0014%); highest among the groups gnomAD compares: African/African-American, 0.023%; no homozygotes.

Submissions (2):

Labcorp Genetics (formerly Invitae), Labcorp
Classification: Likely benign for Methylmalonic acidemia with homocystinuria, type cblX. Last evaluated: 2023-12-20. Review status: criteria provided, single submitter. Criteria: Invitae Variant Classification Sherloc (09022015). Collection method: clinical testing. Allele origin: germline.

GeneDx
Classification: Likely benign. Last evaluated: 2016-07-09. Review status: criteria provided, single submitter. Criteria: GeneDx Variant Classification (06012015). Collection method: clinical testing. Allele origin: germline. Affected: yes.
Comment: This variant is considered likely benign or benign based on one or more of the following criteria: it is a conservative change, it occurs at a poorly conserved position in the protein, it is predicted to be benign by multiple in silico algorithms, and/or has population frequency not consistent with disease.

NM_005334.3(HCFC1):c.2643G>A (p.Thr881=)

Gene: HCFC1 (host cell factor C1; minus strand). Cytogenetic location: Xq28.
Variant type: single nucleotide variant.
Coding change: c.2643G>A on transcript NM_005334.3 (MANE Select); coding-DNA position 2643, G replaced by A.
Protein change: p.Thr881=; no amino-acid change (threonine 881 retained).
Molecular consequence: synonymous variant.
Genome position (GRCh38, 1-based): chrX:153,956,404, C>T on the plus strand (G>A on the coding strand, the complement: HCFC1 is on the minus strand). VCF-style: chrX-153956404-C-T. GRCh37 (hg19) VCF-style: chrX-153221855-C-T.
Identifiers: ClinVar variation 387150 (VCV000387150.4), dbSNP rs368119827, ClinGen allele CA10557291.